The following is an entry in ClinVar:

ClinVar aggregate classification (germline): Benign/Likely benign. Review status: criteria provided, multiple submitters, no conflicts (2 of 4 stars). 7 submissions from 7 submitters: Benign (2); Likely benign (4). 1 of the submissions does not count toward it. Last evaluated 2026-08-01.

Conditions:
KCNA1-related disorder. Also called: KCNA1-related disorders; KCNA1-related condition.
Inborn genetic diseases. Identifiers: MedGen C0950123, MeSH D030342.
Episodic ataxia type 1 (EA1). Also called: Episodic ataxia/myokymia syndrome; MYOKYMIA WITH PERIODIC ATAXIA; PAROXYSMAL ATAXIA WITH NEUROMYOTONIA, HEREDITARY; ATAXIA, EPISODIC, WITH MYOKYMIA. Identifiers: Orphanet 37612, Orphanet 972, MedGen C1719788, MONDO:0008047, OMIM 160120.

Allele frequency attached by ClinVar (database versions not stated): gnomAD exomes 0.00008 and 0.00019; ExAC 0.00020; gnomAD 0.00070 and 0.00078; 1000 Genomes Project 0.00080; 1000 Genomes Project 30x 0.00094; TOPMed 0.00095; ESP Exome Variant Server 0.00115.
gnomAD v4.1: 229 of 1,612,968 alleles (0.014%); highest among the groups gnomAD compares: African/African-American, 0.27%; 1 homozygote.

Submissions (7):

CeGaT Center for Human Genetics Tuebingen
Classification: Likely benign. Last evaluated: 2026-08-01. Review status: criteria provided, single submitter. Criteria: CeGaT Center For Human Genetics Tuebingen Variant Classification Criteria Version 2. Collection method: clinical testing. Allele origin: germline. Affected: yes. Observed: 2 variant alleles.
Comment: KCNA1: PP2, BS1

Labcorp Genetics (formerly Invitae), Labcorp
Classification: Likely benign for Episodic ataxia type 1. Last evaluated: 2026-01-19. Review status: criteria provided, single submitter. Criteria: Invitae Variant Classification Sherloc (09022015). Collection method: clinical testing. Allele origin: germline.

Ambry Genetics
Classification: Likely benign for Inborn genetic diseases. Last evaluated: 2023-08-09. Review status: criteria provided, single submitter. Criteria: Ambry Variant Classification Scheme 2023. Collection method: clinical testing. Allele origin: germline.

Athena Diagnostics
Classification: Benign. Last evaluated: 2018-03-29. Review status: criteria provided, single submitter. Criteria: Athena Diagnostics Criteria. Collection method: clinical testing. Allele origin: germline.

Eurofins Ntd Llc (ga)
Classification: Likely benign. Last evaluated: 2018-01-16. Review status: criteria provided, single submitter. Criteria: EGL Classification Definitions 2015. Collection method: clinical testing. Allele origin: germline. Observed: 2 variant alleles, 2 heterozygotes.

Illumina Laboratory Services, Illumina
Classification: Benign for Episodic ataxia type 1. Last evaluated: 2018-01-13. Review status: criteria provided, single submitter. Criteria: ICSL Variant Classification Criteria 13 December 2019. Collection method: clinical testing. Allele origin: germline.
Comment: This variant was observed in the ICSL laboratory as part of a predisposition screen in an ostensibly healthy population. It had not been previously curated by ICSL or reported in the Human Gene Mutation Database (HGMD: prior to June 1st, 2018), and was therefore a candidate for classification through an automated scoring system. Utilizing variant allele frequency, disease prevalence and penetrance estimates, and inheritance mode, an automated score was calculated to assess if this variant is too frequent to cause the disease. Based on the score and internal cut-off values, a variant classified as benign is not then subjected to further curation. The score for this variant resulted in a classification of benign for this disease.

PreventionGenetics, part of Exact Sciences
Classification: Likely benign for KCNA1-related condition. Last evaluated: 2019-06-14. Review status: no assertion criteria provided. Collection method: clinical testing. Allele origin: germline. Not counted in ClinVar's aggregate classification.
Comment: This variant is classified as likely benign based on ACMG/AMP sequence variant interpretation guidelines (Richards et al. 2015 PMID: 25741868, with internal and published modifications).

NM_000217.3(KCNA1):c.1327C>G (p.Arg443Gly)

Gene: KCNA1 (potassium voltage-gated channel subfamily A member 1; plus strand). Cytogenetic location: 12p13.32.
Variant type: single nucleotide variant.
Coding change: c.1327C>G on transcript NM_000217.3 (MANE Select); coding-DNA position 1327, C replaced by G.
Protein change: p.Arg443Gly; replaces arginine 443 with glycine.
Molecular consequence: missense variant.
Genome position (GRCh38, 1-based): chr12:4,912,705, C>G. VCF-style: chr12-4912705-C-G. GRCh37 (hg19) VCF-style: chr12-5021871-C-G.
Other names: short protein forms R443G.
Identifiers: ClinVar variation 195042 (VCV000195042.47), dbSNP rs150849316, ClinGen allele CA241309.
Genomic context (GRCh38, chr12:4,912,705, plus strand): 5'-GAGCAGGCTCAGTTGCTCCACGTCAGTTCCCCTAACTTAGCCTCTGACAGTGACCTCAGT[C>G]GCCGCAGTTCCTCTACTATGAGCAAGTCTGAGTACATGGAGATCGAAGAGGATATGAATA-3'
Protein context (NP_000208.2, residues 433-453): PNLASDSDLS[Arg443Gly]RSSSTMSKSE